The following is an entry in ClinVar:

ClinVar aggregate classification (germline): Uncertain significance (1 of 4 stars; one submission).

Conditions:
Hereditary cancer-predisposing syndrome. Also called: Neoplastic Syndromes, Hereditary; Tumor predisposition; Hereditary Cancer Syndrome; Hereditary neoplastic syndrome. Identifiers: Orphanet 140162, MedGen C0027672, MeSH D009386, MONDO:0015356.

Submission:

Ambry Genetics
Classification: Uncertain significance for Hereditary cancer-predisposing syndrome. Last evaluated: 2025-11-29. Review status: criteria provided, single submitter. Criteria: Ambry Variant Classification Scheme 2023. Collection method: clinical testing. Allele origin: germline.
Comment: The p.R412S variant (also known as c.1234C>A), located in coding exon 2 of the MET gene, results from a C to A substitution at nucleotide position 1234. The arginine at codon 412 is replaced by serine, an amino acid with dissimilar properties. This amino acid position is conserved. In addition, this alteration is predicted to be tolerated by in silico analysis. Based on the available evidence, the clinical significance of this variant remains unclear.

NM_000245.4(MET):c.1234C>A (p.Arg412Ser)

Gene: MET (MET proto-oncogene, receptor tyrosine kinase; plus strand). Cytogenetic location: 7q31.2.
Variant type: single nucleotide variant.
Coding change: c.1234C>A on transcript NM_000245.4 (MANE Select); coding-DNA position 1234, C replaced by A.
Protein change: p.Arg412Ser; replaces arginine 412 with serine.
Molecular consequence: missense variant. On other transcripts: 5 prime UTR variant (1).
Genome position (GRCh38, 1-based): chr7:116,731,701, C>A. VCF-style: chr7-116731701-C-A. GRCh37 (hg19) VCF-style: chr7-116371755-C-A.
Other names: c.1234C>A, p.Arg412Ser (NM_001127500.3, NM_001324401.3); c.-57C>A (NM_001324402.2); short protein forms R412S.
Identifiers: ClinVar variation 4648200 (VCV004648200.1).